The following is an entry in ClinVar:

ClinVar aggregate classification (germline): Uncertain significance (1 of 4 stars; one submission).

Conditions:
Familial intrahepatic cholestasis. Identifiers: Orphanet 284385, MedGen CN296401, MONDO:0017290.
Low phospholipid associated cholelithiasis (GBD1). Also called: Gallbladder disease 1; Gallstone cholecystitis. Identifiers: Orphanet 69663, MedGen C2609268, MONDO:0010939, OMIM 600803.

gnomAD v4.1: 4 of 1,614,128 alleles (0.00025%); highest among the groups gnomAD compares: Non-Finnish European, 0.00034%; no homozygotes.

Submission:

Genomenon, Inc
Classification: Uncertain significance for Familial intrahepatic cholestasis; Low phospholipid associated cholelithiasis. Last evaluated: 2026-04-14. Review status: criteria provided, single submitter. Criteria: Genomenon Sequence Variant Interpretation Standards - Updated. Collection method: curation. Allele origin: germline. Affected: no.
Comment: ABCB4 p.Leu1082Gln (c.3245T>A) is a missense variant that changes the amino acid at residue 1082 from Leucine to Glutamine. This variant has been reported in the published literature (PMID:17264802;28587926). It is absent or not present at a significant frequency in gnomAD. In silico models predict that this variant is possibly or probably damaging. In conclusion, we classify ABCB4 p.Leu1082Gln (c.3245T>A) as a variant of uncertain significance.

Literature cited by the submitters: PubMed 17264802; PubMed 28587926.

NM_000443.4(ABCB4):c.3245T>A (p.Leu1082Gln)

Gene: ABCB4 (ATP binding cassette subfamily B member 4; minus strand). Cytogenetic location: 7q21.12.
Variant type: single nucleotide variant.
Coding change: c.3245T>A on transcript NM_000443.4 (MANE Select); coding-DNA position 3245, T replaced by A.
Protein change: p.Leu1082Gln; replaces leucine 1082 with glutamine.
Molecular consequence: missense variant.
Genome position (GRCh38, 1-based): chr7:87,408,071, A>T on the plus strand (T>A on the coding strand, the complement: ABCB4 is on the minus strand). VCF-style: chr7-87408071-A-T. GRCh37 (hg19) VCF-style: chr7-87037387-A-T.
Other names: c.3245T>A, p.Leu1082Gln (NM_018849.3); c.3104T>A, p.Leu1035Gln (NM_018850.3); short protein forms L1035Q, L1082Q.
Identifiers: ClinVar variation 4846525 (VCV004846525.1).